The following is an entry in ClinVar:

ClinVar aggregate classification (germline): Uncertain significance (1 of 4 stars; one submission).

gnomAD v4.1: 13 of 1,613,536 alleles (0.00081%); highest among the groups gnomAD compares: Non-Finnish European, 0.0011%; no homozygotes.

Submission:

GeneDx
Classification: Uncertain significance. Last evaluated: 2024-07-15. Review status: criteria provided, single submitter. Criteria: GeneDx Variant Classification Process June 2021. Collection method: clinical testing. Allele origin: germline. Affected: yes.
Comment: Not observed at significant frequency in large population cohorts (gnomAD); In silico analysis supports that this missense variant has a deleterious effect on protein structure/function; Has not been previously published as pathogenic or benign to our knowledge

NM_004820.5(CYP7B1):c.236A>C (p.Asp79Ala)

Gene: CYP7B1 (cytochrome P450 family 7 subfamily B member 1; minus strand). Cytogenetic location: 8q12.3.
Variant type: single nucleotide variant.
Coding change: c.236A>C on transcript NM_004820.5 (MANE Select); coding-DNA position 236, A replaced by C.
Protein change: p.Asp79Ala; replaces aspartic acid 79 with alanine.
Molecular consequence: missense variant.
Genome position (GRCh38, 1-based): chr8:64,624,426, T>G on the plus strand (A>C on the coding strand, the complement: CYP7B1 is on the minus strand). VCF-style: chr8-64624426-T-G. GRCh37 (hg19) VCF-style: chr8-65536983-T-G.
Other names: c.236A>C, p.Asp79Ala (NM_001324112.2); short protein forms D79A.
Identifiers: ClinVar variation 3573734 (VCV003573734.1).